The following is an entry in ClinVar:

NM_001098511.3(KIF2A):c.2044G>A (p.Ala682Thr)

Gene: KIF2A (kinesin family member 2A; plus strand). Cytogenetic location: 5q12.1.
Variant type: single nucleotide variant.
Coding change: c.2044G>A on transcript NM_001098511.3 (MANE Select); coding-DNA position 2044, G replaced by A.
Protein change: p.Ala682Thr; replaces alanine 682 with threonine.
Molecular consequence: missense variant.
Genome position (GRCh38, 1-based): chr5:62,381,148, G>A. VCF-style: chr5-62381148-G-A. GRCh37 (hg19) VCF-style: chr5-61676975-G-A.
Other names: c.1849G>A, p.Ala617Thr (NM_001243952.2); c.1873G>A, p.Ala625Thr (NM_001243953.2); c.1930G>A, p.Ala644Thr (NM_004520.5); short protein forms A682T, A625T, A644T, A617T.
Identifiers: ClinVar variation 506410 (VCV000506410.15), dbSNP rs61748225, ClinGen allele CA3279109.

ClinVar aggregate classification (germline): Benign/Likely benign. Review status: criteria provided, multiple submitters, no conflicts (2 of 4 stars). 5 submissions from 5 submitters: Benign (3); Likely benign (1). 1 of the submissions does not count toward it. Last evaluated 2026-02-02.

Conditions:
KIF2A-related disorder. Also called: KIF2A-related condition.
Complex cortical dysplasia with other brain malformations 3. Identifiers: MedGen C3809414, MONDO:0014170, OMIM 615411.

Allele frequency attached by ClinVar (database versions not stated): ESP Exome Variant Server 0.01699; TOPMed 0.01866; 1000 Genomes Project 30x 0.01749; 1000 Genomes Project 0.01657.
gnomAD v4.1: 4,923 of 1,610,730 alleles (0.31%); highest among the groups gnomAD compares: African/African-American, 5.7%; 124 homozygotes.

Submissions (5):

Labcorp Genetics (formerly Invitae), Labcorp
Classification: Benign. Last evaluated: 2026-02-02. Review status: criteria provided, single submitter. Criteria: Invitae Variant Classification Sherloc (09022015). Collection method: clinical testing. Allele origin: germline.

Fulgent Genetics
Classification: Likely benign for Complex cortical dysplasia with other brain malformations 3. Last evaluated: 2021-09-16. Review status: criteria provided, single submitter. Criteria: ACMG Guidelines, 2015. Collection method: clinical testing. Allele origin: unknown.

GeneDx
Classification: Benign. Last evaluated: 2017-01-09. Review status: criteria provided, single submitter. Criteria: GeneDx Variant Classification (06012015). Collection method: clinical testing. Allele origin: germline. Affected: yes.
Comment: This variant is considered likely benign or benign based on one or more of the following criteria: it is a conservative change, it occurs at a poorly conserved position in the protein, it is predicted to be benign by multiple in silico algorithms, and/or has population frequency not consistent with disease.

Breakthrough Genomics
Classification: Benign. Review status: criteria provided, single submitter. Criteria: ACMG Guidelines, 2015. Collection method: not provided. Allele origin: germline. Inheritance: Autosomal dominant inheritance. Affected: yes.

PreventionGenetics, part of Exact Sciences
Classification: Benign for KIF2A-related condition. Last evaluated: 2019-08-28. Review status: no assertion criteria provided. Collection method: clinical testing. Allele origin: germline. Not counted in ClinVar's aggregate classification.
Comment: This variant is classified as benign based on ACMG/AMP sequence variant interpretation guidelines (Richards et al. 2015 PMID: 25741868, with internal and published modifications).